The following is an entry in ClinVar:

ClinVar aggregate classification (germline): Uncertain significance (1 of 4 stars; one submission).

gnomAD v4.1: 14 of 1,612,992 alleles (0.00087%); highest among the groups gnomAD compares: Non-Finnish European, 0.0012%; no homozygotes.

Submission:

Labcorp Genetics (formerly Invitae), Labcorp
Classification: Uncertain significance. Last evaluated: 2025-04-18. Review status: criteria provided, single submitter. Criteria: Invitae Variant Classification Sherloc (09022015). Collection method: clinical testing. Allele origin: germline.
Comment: This sequence change replaces tyrosine, which is neutral and polar, with histidine, which is basic and polar, at codon 864 of the ACTN1 protein (p.Tyr864His). This variant is present in population databases (rs752923320, gnomAD 0.0009%). This variant has not been reported in the literature in individuals affected with ACTN1-related conditions. Invitae Evidence Modeling of protein sequence and biophysical properties (such as structural, functional, and spatial information, amino acid conservation, physicochemical variation, residue mobility, and thermodynamic stability) indicates that this missense variant is not expected to disrupt ACTN1 protein function with a negative predictive value of 80%. In summary, the available evidence is currently insufficient to determine the role of this variant in disease. Therefore, it has been classified as a Variant of Uncertain Significance.

NM_001130004.2(ACTN1):c.2590T>C (p.Tyr864His)

Gene: ACTN1 (actinin alpha 1; minus strand). Cytogenetic location: 14q24.1.
Variant type: single nucleotide variant.
Coding change: c.2590T>C on transcript NM_001130004.2 (MANE Select); coding-DNA position 2590, T replaced by C.
Protein change: p.Tyr864His; replaces tyrosine 864 with histidine.
Molecular consequence: missense variant.
Genome position (GRCh38, 1-based): chr14:68,875,014, A>G on the plus strand (T>C on the coding strand, the complement: ACTN1 is on the minus strand). VCF-style: chr14-68875014-A-G. GRCh37 (hg19) VCF-style: chr14-69341731-A-G.
Other names: c.2524T>C, p.Tyr842His (NM_001102.4); c.2509T>C, p.Tyr837His (NM_001130005.2); c.2533T>C, p.Tyr845His (NM_001411035.1); c.2329T>C, p.Tyr777His (NM_001411036.1, NM_001424026.1); c.2653T>C, p.Tyr885His (NM_001424012.1); c.2650T>C, p.Tyr884His (NM_001424013.1); c.2638T>C, p.Tyr880His (NM_001424014.1); c.2611T>C, p.Tyr871His (NM_001424015.1); and 14 more; short protein forms Y776H, Y816H, Y842H, Y850H, Y871H, Y880H, Y754H, Y772H.
Identifiers: ClinVar variation 4748576 (VCV004748576.1).
Genomic context (GRCh38, chr14:68,875,014, plus strand): 5'-CGATGCAGTACTCAGCCTGGTCGGGTGGCAGCTCGCGGCGCAGCTCGTCCATGGTAATGT[A>G]GTTCTGCGAGGAGAGAGTGGTCAGGAAGGCCGCAAAGTCCAGCAGCCGTAAAGCGGCGCG-3'
Protein context (NP_001123476.1, residues 854-874): SFKILAGDKN[Tyr864His]ITMDELRREL